The following is an entry in ClinVar:

NM_002742.3(PRKD1):c.1982A>G (p.Lys661Arg)

Gene: PRKD1 (protein kinase D1; minus strand). Cytogenetic location: 14q12.
Variant type: single nucleotide variant.
Coding change: c.1982A>G on transcript NM_002742.3 (MANE Select); coding-DNA position 1982, A replaced by G.
Protein change: p.Lys661Arg; replaces lysine 661 with arginine.
Molecular consequence: missense variant.
Genome position (GRCh38, 1-based): chr14:29,599,741, T>C on the plus strand (A>G on the coding strand, the complement: PRKD1 is on the minus strand). VCF-style: chr14-29599741-T-C. GRCh37 (hg19) VCF-style: chr14-30068947-T-C.
Other names: c.2006A>G, p.Lys669Arg (NM_001330069.2); c.1718A>G, p.Lys573Arg (NM_001348390.1); short protein forms K573R, K661R, K669R.
Identifiers: ClinVar variation 3891298 (VCV003891298.1).

ClinVar aggregate classification (germline): Uncertain significance (1 of 4 stars; one submission).

Conditions:
Congenital heart defects and ectodermal dysplasia (CHDED). Identifiers: MedGen C4479250, MONDO:0044303, OMIM 617364.

gnomAD v4.1: 17 of 1,613,398 alleles (0.0011%); highest among the groups gnomAD compares: South Asian, 0.019%; 1 homozygote.

Submission:

Uttarilli Lab, Institute of Bioinformatics
Classification: Uncertain significance for Congenital heart defects and ectodermal dysplasia. Last evaluated: 2025-04-21. Review status: criteria provided, single submitter. Criteria: ACMG Guidelines, 2015. Collection method: research. Allele origin: maternal. Inheritance: Autosomal dominant inheritance. Affected: yes. Observed: 1 heterozygote.
Comment: The frequency of the variant in the gnomAD population database (v4.1.0) is 0.00001054. In silico analysis predicted that this variant affected the protein structure.

Literature cited by the submitters: DOI 10.1111/joa.14033; PubMed 41136760.